The following is an entry in ClinVar:

ClinVar aggregate classification (germline): Benign/Likely benign. Review status: criteria provided, multiple submitters, no conflicts (2 of 4 stars). 2 submissions from 2 submitters: Benign (1); Likely benign (1). Last evaluated 2025-02-26.

Conditions:
Hereditary cancer-predisposing syndrome. Also called: Neoplastic Syndromes, Hereditary; Tumor predisposition; Hereditary Cancer Syndrome; Hereditary neoplastic syndrome. Identifiers: Orphanet 140162, MedGen C0027672, MeSH D009386, MONDO:0015356.
Multiple endocrine neoplasia type 2A. Also called: Multiple Endocrine Neoplasia Type 2A (MEN2A); MULTIPLE ENDOCRINE NEOPLASIA, TYPE IIA; PTC SYNDROME; SIPPLE SYNDROME; MEN 2A; MEN-2A syndrome. Identifiers: Orphanet 247698, Orphanet 653, MedGen C0025268, MeSH D018813, MONDO:0008234, OMIM 171400.

Allele frequency attached by ClinVar (database versions not stated): TOPMed below 0.00001.

Submissions (2):

Myriad Genetics, Inc.
Classification: Benign for Multiple endocrine neoplasia type 2A. Last evaluated: 2025-02-26. Review status: criteria provided, single submitter. Criteria: Myriad Autosomal Dominant, Autosomal Recessive and X-Linked Classification Criteria (2023). Collection method: clinical testing. Allele origin: unknown.
Comment: This variant is considered benign. This variant is a silent/synonymous amino acid change and it is not expected to impact splicing.

Ambry Genetics
Classification: Likely benign for Hereditary cancer-predisposing syndrome. Last evaluated: 2022-07-11. Review status: criteria provided, single submitter. Criteria: Ambry Variant Classification Scheme 2023. Collection method: clinical testing. Allele origin: germline.

NM_020975.6(RET):c.1995C>T (p.His665=)

Gene: RET (ret proto-oncogene; plus strand). Cytogenetic location: 10q11.21.
Variant type: single nucleotide variant.
Coding change: c.1995C>T on transcript NM_020975.6 (MANE Select); coding-DNA position 1995, C replaced by T.
Protein change: p.His665=; no amino-acid change (histidine 665 retained).
Molecular consequence: synonymous variant. On other transcripts: intron variant (4).
Genome position (GRCh38, 1-based): chr10:43,114,595, C>T. VCF-style: chr10-43114595-C-T. GRCh37 (hg19) VCF-style: chr10-43610043-C-T.
Other names: c.1995C>T, p.His665= (NM_000323.2, NM_001406743.1, NM_001406744.1 and 4 more transcripts); c.1233C>T, p.His411= (NM_001355216.2); c.1866C>T, p.His622= (NM_001406761.1, NM_001406762.1, NM_001406764.1); c.1707C>T, p.His569= (NM_001406766.1, NM_001406767.1, NM_001406770.1); c.1599C>T, p.His533= (NM_001406769.1, NM_001406772.1); c.1557C>T, p.His519= (NM_001406771.1, NM_001406773.1); c.1470C>T, p.His490= (NM_001406774.1); c.1269C>T, p.His423= (NM_001406775.1, NM_001406776.1, NM_001406777.1 and 1 more transcripts); and 10 more.
Identifiers: ClinVar variation 1784042 (VCV001784042.3), dbSNP rs377767413, ClinGen allele CA469479815.